The following is an entry in ClinVar:

NM_020549.5(CHAT):c.847C>G (p.Pro283Ala)

Gene: CHAT (choline O-acetyltransferase; plus strand). Cytogenetic location: 10q11.23.
Variant type: single nucleotide variant.
Coding change: c.847C>G on transcript NM_020549.5 (MANE Select); coding-DNA position 847, C replaced by G.
Protein change: p.Pro283Ala; replaces proline 283 with alanine.
Molecular consequence: missense variant.
Genome position (GRCh38, 1-based): chr10:49,625,567, C>G. VCF-style: chr10-49625567-C-G. GRCh37 (hg19) VCF-style: chr10-50833613-C-G.
Other names: c.493C>G, p.Pro165Ala (NM_001142929.2, NM_001142934.2, NM_020984.4 and 2 more transcripts); c.601C>G, p.Pro201Ala (NM_001142933.2); short protein forms P165A, P201A, P283A.
Identifiers: ClinVar variation 1996963 (VCV001996963.4), dbSNP rs1326545990, ClinGen allele CA376730084.

ClinVar aggregate classification (germline): Uncertain significance (1 of 4 stars; one submission).

Conditions:
Familial infantile myasthenia (CMS6). Also called: MYASTHENIC SYNDROME, PRESYNAPTIC, CONGENITAL, ASSOCIATED WITH EPISODIC APNEA; Congenital myasthenic syndrome type 6; MYASTHENIC SYNDROME, CONGENITAL, 6, PRESYNAPTIC. Identifiers: Orphanet 590, MedGen C0393929, MONDO:0009689, OMIM 254210.

Allele frequency attached by ClinVar (database versions not stated): TOPMed 0.00001; gnomAD 0.00002.
gnomAD v4.1: 4 of 1,612,412 alleles (0.00025%); highest among the groups gnomAD compares: African/African-American, 0.0053%; no homozygotes.

Submission:

Labcorp Genetics (formerly Invitae), Labcorp
Classification: Uncertain significance for Familial infantile myasthenia. Last evaluated: 2022-05-20. Review status: criteria provided, single submitter. Criteria: Invitae Variant Classification Sherloc (09022015). Collection method: clinical testing. Allele origin: germline.
Comment: Algorithms developed to predict the effect of missense changes on protein structure and function (SIFT, PolyPhen-2, Align-GVGD) all suggest that this variant is likely to be disruptive. This variant has not been reported in the literature in individuals affected with CHAT-related conditions. This variant is present in population databases (no rsID available, gnomAD 0.009%). This sequence change replaces proline, which is neutral and non-polar, with alanine, which is neutral and non-polar, at codon 283 of the CHAT protein (p.Pro283Ala). In summary, the available evidence is currently insufficient to determine the role of this variant in disease. Therefore, it has been classified as a Variant of Uncertain Significance.